The following is an entry in ClinVar:

ClinVar aggregate classification (germline): Uncertain significance. Review status: criteria provided, multiple submitters, no conflicts (2 of 4 stars). 3 submissions from 3 submitters: Uncertain significance (3). Last evaluated 2025-07-09.

Allele frequency attached by ClinVar (database versions not stated): ExAC 0.00002; TOPMed 0.00003; gnomAD 0.00004; 1000 Genomes Project 0.00020; 1000 Genomes Project 30x 0.00031.
gnomAD v4.1: 36 of 1,613,908 alleles (0.0022%); highest among the groups gnomAD compares: African/African-American, 0.012%; no homozygotes.

Submissions (3):

GeneDx
Classification: Uncertain significance. Last evaluated: 2025-07-09. Review status: criteria provided, single submitter. Criteria: GeneDx Variant Classification Process June 2021. Collection method: clinical testing. Allele origin: germline. Affected: yes.
Comment: In silico analysis supports that this missense variant has a deleterious effect on protein structure/function; Has not been previously published as pathogenic or benign to our knowledge

Labcorp Genetics (formerly Invitae), Labcorp
Classification: Uncertain significance. Last evaluated: 2024-06-24. Review status: criteria provided, single submitter. Criteria: Invitae Variant Classification Sherloc (09022015). Collection method: clinical testing. Allele origin: germline.
Comment: This sequence change replaces asparagine, which is neutral and polar, with serine, which is neutral and polar, at codon 690 of the IARS protein (p.Asn690Ser). This variant is present in population databases (rs534003943, gnomAD 0.03%). This variant has not been reported in the literature in individuals affected with IARS-related conditions. ClinVar contains an entry for this variant (Variation ID: 2163696). An algorithm developed to predict the effect of missense changes on protein structure and function (PolyPhen-2) suggests that this variant is likely to be disruptive. In summary, the available evidence is currently insufficient to determine the role of this variant in disease. Therefore, it has been classified as a Variant of Uncertain Significance.

Ambry Genetics
Classification: Uncertain significance. Last evaluated: 2024-01-04. Review status: criteria provided, single submitter. Criteria: Ambry Variant Classification Scheme 2023. Collection method: clinical testing. Allele origin: germline.

NM_002161.6(IARS1):c.2069A>G (p.Asn690Ser)

Gene: IARS1 (isoleucyl-tRNA synthetase 1; minus strand). Cytogenetic location: 9q22.31.
Variant type: single nucleotide variant.
Coding change: c.2069A>G on transcript NM_002161.6 (MANE Select); coding-DNA position 2069, A replaced by G.
Protein change: p.Asn690Ser; replaces asparagine 690 with serine.
Molecular consequence: missense variant. On other transcripts: non-coding transcript variant (1).
Genome position (GRCh38, 1-based): chr9:92,256,748, T>C on the plus strand (A>G on the coding strand, the complement: IARS1 is on the minus strand). VCF-style: chr9-92256748-T-C. GRCh37 (hg19) VCF-style: chr9-95019030-T-C.
Other names: c.2069A>G (NM_013417.2, NM_002161.5); c.2069A>G, p.Asn690Ser (NM_001374299.1, NM_001374300.1, NM_001378572.1 and 13 more transcripts); c.1985A>G, p.Asn662Ser (NM_001374301.1); c.2132A>G, p.Asn711Ser (NM_001378569.1); c.2090A>G, p.Asn697Ser (NM_001378571.1); c.1946A>G, p.Asn649Ser (NM_001378583.1); short protein forms N649S, N711S, N690S, N697S, N662S.
Identifiers: ClinVar variation 2163696 (VCV002163696.6), dbSNP rs534003943, ClinGen allele CA5122391.